The following is an entry in ClinVar:

ClinVar aggregate classification (germline): Uncertain significance (1 of 4 stars; one submission).

Submission:

Ambry Genetics
Classification: Uncertain significance. Last evaluated: 2022-07-17. Review status: criteria provided, single submitter. Criteria: Ambry Variant Classification Scheme 2023. Collection method: clinical testing. Allele origin: germline.
Comment: The p.I1421T variant (also known as c.4262T>C), located in coding exon 16 of the POLQ gene, results from a T to C substitution at nucleotide position 4262. The isoleucine at codon 1421 is replaced by threonine, an amino acid with similar properties. This amino acid position is conserved. In addition, this alteration is predicted to be tolerated by in silico analysis. Since supporting evidence is limited at this time, the clinical significance of this alteration remains unclear.

NM_199420.4(POLQ):c.4262T>C (p.Ile1421Thr)

Gene: POLQ (DNA polymerase theta; minus strand). Cytogenetic location: 3q13.33.
Variant type: single nucleotide variant.
Coding change: c.4262T>C on transcript NM_199420.4 (MANE Select); coding-DNA position 4262, T replaced by C.
Protein change: p.Ile1421Thr; replaces isoleucine 1421 with threonine.
Molecular consequence: missense variant.
Genome position (GRCh38, 1-based): chr3:121,488,669, A>G on the plus strand (T>C on the coding strand, the complement: POLQ is on the minus strand). VCF-style: chr3-121488669-A-G. GRCh37 (hg19) VCF-style: chr3-121207516-A-G.
Other names: short protein forms I1421T.
Identifiers: ClinVar variation 1739183 (VCV001739183.2), dbSNP rs1355110084, ClinGen allele CA354095571.